The following is an entry in ClinVar:

NM_000455.5(STK11):c.598-14C>T

Gene: STK11 (serine/threonine kinase 11; plus strand). Cytogenetic location: 19p13.3.
Variant type: single nucleotide variant.
Coding change: c.598-14C>T on transcript NM_000455.5 (MANE Select); 14 bases into the intron before coding-DNA position 598, C replaced by T.
Molecular consequence: intron variant.
Genome position (GRCh38, 1-based): chr19:1,220,567, C>T. VCF-style: chr19-1220567-C-T. GRCh37 (hg19) VCF-style: chr19-1220566-C-T.
Identifiers: ClinVar variation 492546 (VCV000492546.20), dbSNP rs769378511, ClinGen allele CA048245.

ClinVar aggregate classification (germline): Conflicting classifications of pathogenicity. Review status: criteria provided, conflicting classifications (1 of 4 stars). 9 submissions from 9 submitters: Uncertain significance (1); Benign (1); Likely benign (7). Last evaluated 2026-02-03.

Conditions:
Hereditary cancer-predisposing syndrome. Also called: Tumor predisposition; Hereditary Cancer Syndrome; Neoplastic Syndromes, Hereditary; Hereditary neoplastic syndrome. Identifiers: Orphanet 140162, MedGen C0027672, MeSH D009386, MONDO:0015356.
Peutz-Jeghers syndrome (PJS). Also called: POLYPOSIS, HAMARTOMATOUS INTESTINAL; POLYPS-AND-SPOTS SYNDROME; Peutz-Jeghers polyposis; Periorificial lentiginosis syndrome. Identifiers: Orphanet 2869, MedGen C0031269, MeSH D010580, MONDO:0008280, OMIM 175200.

Allele frequency attached by ClinVar (database versions not stated): ExAC 0.00002; gnomAD 0.00004; gnomAD exomes 0.00004 and 0.00007; TOPMed 0.00008.
gnomAD v4.1: 63 of 1,573,166 alleles (0.004%); highest among the groups gnomAD compares: Admixed American, 0.031%; no homozygotes.

Submissions (9):

Labcorp Genetics (formerly Invitae), Labcorp
Classification: Likely benign for Peutz-Jeghers syndrome. Last evaluated: 2026-02-03. Review status: criteria provided, single submitter. Criteria: Invitae Variant Classification Sherloc (09022015). Collection method: clinical testing. Allele origin: germline.

Myriad Genetics, Inc.
Classification: Likely benign for Peutz-Jeghers syndrome. Last evaluated: 2025-03-26. Review status: criteria provided, single submitter. Criteria: Myriad Autosomal Dominant, Autosomal Recessive and X-Linked Classification Criteria (2023). Collection method: clinical testing. Allele origin: unknown.
Comment: This variant is considered likely benign. This variant is intronic and is not expected to impact mRNA splicing.

Department of Pathology and Laboratory Medicine, Sinai Health System
Classification: Likely benign for Peutz-Jeghers syndrome. Last evaluated: 2024-05-14. Review status: criteria provided, single submitter. Criteria: ACMG Guidelines, 2015. Collection method: clinical testing. Allele origin: germline. Affected: yes.

All of Us Research Program, National Institutes of Health
Classification: Likely benign for Peutz-Jeghers syndrome. Last evaluated: 2024-02-05. Review status: criteria provided, single submitter. Criteria: ACMG Guidelines, 2015. Collection method: clinical testing. Allele origin: germline. Inheritance: Autosomal dominant inheritance. Observed: 9 variant alleles, 9 heterozygotes.
Comment: This study involves interpretation of variants in research participants for the purpose of population health screening. Participant phenotype was not available at the time of variant classification. Additional details can be found in publication PMID: 35346344, PMCID: PMC8962531

Blueprint Genetics
Classification: Likely benign. Last evaluated: 2023-03-06. Review status: criteria provided, single submitter. Criteria: ACMG Guidelines, 2015. Collection method: clinical testing. Allele origin: germline.

Genome-Nilou Lab
Classification: Likely benign for Peutz-Jeghers syndrome. Last evaluated: 2021-07-15. Review status: criteria provided, single submitter. Criteria: ACMG Guidelines, 2015. Collection method: clinical testing. Allele origin: germline. Affected: no.

Color Diagnostics, LLC DBA Color Health
Classification: Likely benign for Hereditary cancer-predisposing syndrome. Last evaluated: 2017-10-02. Review status: criteria provided, single submitter. Criteria: ACMG Guidelines, 2015. Collection method: clinical testing. Allele origin: germline.

Ambry Genetics
Classification: Uncertain significance for Hereditary cancer-predisposing syndrome. Last evaluated: 2015-12-04. Review status: criteria provided, single submitter. Criteria: Ambry Variant Classification Scheme 2023. Collection method: clinical testing. Allele origin: germline.
Comment: The c.598-14C>T intronic alteration consists of a C to T substitution 14 nucleotides before coding exon 5 in the STK11 gene. Based on insufficient or conflicting evidence, the clinical significance of this alteration remains unclear.

GeneDx
Classification: Benign. Last evaluated: 2015-03-03. Review status: criteria provided, single submitter. Criteria: GeneDx Variant Classification Process June 2021. Collection method: clinical testing. Allele origin: germline. Affected: yes.